The following is an entry in ClinVar:

ClinVar aggregate classification (germline): Pathogenic/Likely pathogenic. Review status: criteria provided, multiple submitters, no conflicts (2 of 4 stars). 2 submissions from 2 submitters: Pathogenic (1); Likely pathogenic (1). Last evaluated 2023-10-14.

Conditions:
Primary ciliary dyskinesia. Also called: Ciliary dyskinesia. Identifiers: Orphanet 244, MedGen C0008780, MONDO:0016575, HP:0012265.

Submissions (2):

Labcorp Genetics (formerly Invitae), Labcorp
Classification: Likely pathogenic for Primary ciliary dyskinesia. Last evaluated: 2023-10-14. Review status: criteria provided, single submitter. Criteria: Invitae Variant Classification Sherloc (09022015). Collection method: clinical testing. Allele origin: germline.
Comment: This sequence change affects a donor splice site in intron 8 of the CCDC39 gene. It is expected to disrupt RNA splicing. Variants that disrupt the donor or acceptor splice site typically lead to a loss of protein function (PMID: 16199547), and loss-of-function variants in CCDC39 are known to be pathogenic (PMID: 21131972, 23255504). This variant is not present in population databases (gnomAD no frequency). This variant has not been reported in the literature in individuals affected with CCDC39-related conditions. ClinVar contains an entry for this variant (Variation ID: 455007). Algorithms developed to predict the effect of sequence changes on RNA splicing suggest that this variant may disrupt the consensus splice site. In summary, the currently available evidence indicates that the variant is pathogenic, but additional data are needed to prove that conclusively. Therefore, this variant has been classified as Likely Pathogenic.

Eurofins Ntd Llc (ga)
Classification: Pathogenic. Last evaluated: 2017-10-18. Review status: criteria provided, single submitter. Criteria: EGL Classification Definitions 2015. Collection method: clinical testing. Allele origin: germline. Observed: 1 variant allele, 1 heterozygote.

Literature cited by the submitters: PubMed 16199547 (cited by Labcorp Genetics (formerly Invitae), Labcorp); PubMed 21131972 (cited by Labcorp Genetics (formerly Invitae), Labcorp); PubMed 23255504 (cited by Labcorp Genetics (formerly Invitae), Labcorp).

NM_181426.2(CCDC39):c.1034+2T>A

Gene: CCDC39 (coiled-coil domain 39 molecular ruler complex subunit; minus strand). Cytogenetic location: 3q26.33.
Variant type: single nucleotide variant.
Coding change: c.1034+2T>A on transcript NM_181426.2 (MANE Select); the canonical splice donor site of the intron after coding-DNA position 1034, T replaced by A.
Molecular consequence: splice donor variant.
Genome position (GRCh38, 1-based): chr3:180,652,161, A>T on the plus strand (T>A on the coding strand, the complement: CCDC39 is on the minus strand). VCF-style: chr3-180652161-A-T. GRCh37 (hg19) VCF-style: chr3-180369949-A-T.
Identifiers: ClinVar variation 455007 (VCV000455007.11), dbSNP rs1210953680, ClinGen allele CA355299226.
Genomic context (GRCh38, chr3:180,652,161, plus strand): 5'-TAATAATTTTCTAGATATAGTAAAAAATAATCATAAACATATTTAGATAGTTTTTTTCTT[A>T]CCTTGCTGTTTCTTCATGAATGTCCTTCTTTATCTTGGAAATATTTTTCCTCAGAGCTTC-3'